The following is an entry in ClinVar:

NM_001111.5(ADAR):c.419A>C (p.Glu140Ala)

Gene: ADAR (adenosine deaminase RNA specific; minus strand). Cytogenetic location: 1q21.3.
Variant type: single nucleotide variant.
Coding change: c.419A>C on transcript NM_001111.5 (MANE Select); coding-DNA position 419, A replaced by C.
Protein change: p.Glu140Ala; replaces glutamic acid 140 with alanine.
Molecular consequence: missense variant. On other transcripts: 5 prime UTR variant (6).
Genome position (GRCh38, 1-based): chr1:154,602,223, T>G on the plus strand (A>C on the coding strand, the complement: ADAR is on the minus strand). VCF-style: chr1-154602223-T-G. GRCh37 (hg19) VCF-style: chr1-154574699-T-G.
Other names: c.-467A>C (NM_001025107.3, NM_001193495.2, NM_001365046.1 and 3 more transcripts); c.446A>C, p.Glu149Ala (NM_001365045.1); c.419A>C, p.Glu140Ala (NM_015840.4, NM_015841.4); short protein forms E140A, E149A.
Identifiers: ClinVar variation 1486780 (VCV001486780.8), dbSNP rs753539550, ClinGen allele CA1131703.

ClinVar aggregate classification (germline): Uncertain significance (1 of 4 stars; one submission).

Conditions:
Aicardi-Goutieres syndrome 6 (AGS6). Identifiers: Orphanet 51, MedGen C3539013, MONDO:0014007, OMIM 615010.
Symmetrical dyschromatosis of extremities (DSH). Also called: SYMMETRIC DYSCHROMATOSIS OF THE EXTREMITIES; Dyschromatosis symmetrica hereditaria; RETICULATE ACROPIGMENTATION OF DOHI; DYSCHROMATOSIS SYMMETRICA HEREDITARIA 1. Identifiers: Orphanet 41, MedGen C0406775, MONDO:0007483, OMIM 127400.

Allele frequency attached by ClinVar (database versions not stated): ExAC 0.00001; TOPMed 0.00002; gnomAD exomes 0.00001 and 0.00003; gnomAD 0.00001.
gnomAD v4.1: 39 of 1,614,100 alleles (0.0024%); highest among the groups gnomAD compares: Non-Finnish European, 0.0031%; no homozygotes.

Submission:

Labcorp Genetics (formerly Invitae), Labcorp
Classification: Uncertain significance for Aicardi-Goutieres syndrome 6; Symmetrical dyschromatosis of extremities. Last evaluated: 2025-08-22. Review status: criteria provided, single submitter. Criteria: Invitae Variant Classification Sherloc (09022015). Collection method: clinical testing. Allele origin: germline.
Comment: This sequence change replaces glutamic acid, which is acidic and polar, with alanine, which is neutral and non-polar, at codon 140 of the ADAR protein (p.Glu140Ala). This variant is present in population databases (rs753539550, gnomAD 0.002%). This variant has not been reported in the literature in individuals affected with ADAR-related conditions. ClinVar contains an entry for this variant (Variation ID: 1486780). An algorithm developed to predict the effect of missense changes on protein structure and function (PolyPhen-2) suggests that this variant is likely to be disruptive. In summary, the available evidence is currently insufficient to determine the role of this variant in disease. Therefore, it has been classified as a Variant of Uncertain Significance.